The following is an entry in ClinVar:

ClinVar aggregate classification (germline): Likely benign. Review status: criteria provided, multiple submitters, no conflicts (2 of 4 stars). 2 submissions from 2 submitters: Likely benign (2). Last evaluated 2022-07-14.

Conditions:
Inborn genetic diseases. Identifiers: MedGen C0950123, MeSH D030342.

Allele frequency attached by ClinVar (database versions not stated): gnomAD exomes 0.00004; gnomAD 0.00009; ExAC 0.00011; TOPMed 0.00018.
gnomAD v4.1: 80 of 1,613,876 alleles (0.005%); highest among the groups gnomAD compares: Admixed American, 0.048%; 1 homozygote.

Submissions (2):

Ambry Genetics
Classification: Likely benign for Inborn genetic diseases. Last evaluated: 2022-07-14. Review status: criteria provided, single submitter. Criteria: Ambry Variant Classification Scheme 2023. Collection method: clinical testing. Allele origin: germline.

CeGaT Center for Human Genetics Tuebingen
Classification: Likely benign. Last evaluated: 2022-07-01. Review status: criteria provided, single submitter. Criteria: CeGaT Center For Human Genetics Tuebingen Variant Classification Criteria Version 2. Collection method: clinical testing. Allele origin: germline. Affected: yes. Observed: 1 variant allele.
Comment: DDX11: BP4

NM_030653.4(DDX11):c.856G>A (p.Val286Met)

Gene: DDX11 (DEAD/H-box helicase 11; plus strand). Cytogenetic location: 12p11.21.
Variant type: single nucleotide variant.
Coding change: c.856G>A on transcript NM_030653.4 (MANE Select); coding-DNA position 856, G replaced by A.
Protein change: p.Val286Met; replaces valine 286 with methionine.
Molecular consequence: missense variant.
Genome position (GRCh38, 1-based): chr12:31,089,466, G>A. VCF-style: chr12-31089466-G-A. GRCh37 (hg19) VCF-style: chr12-31242400-G-A.
Other names: c.856G>A, p.Val286Met (NM_001257144.2, NM_001413692.1, NM_001413693.1 and 5 more transcripts); c.778G>A, p.Val260Met (NM_001257145.2, NM_001413697.1, NM_001413698.1 and 1 more transcripts); c.769G>A, p.Val257Met (NM_001413700.1); c.328G>A, p.Val110Met (NM_001413702.1, NM_001413703.1); c.-6G>A (NM_001413704.1, NM_001413705.1); short protein forms V257M, V286M, V110M, V260M.
Identifiers: ClinVar variation 2301275 (VCV002301275.26), dbSNP rs771007118, ClinGen allele CA6501007.